The following is an entry in ClinVar:

ClinVar aggregate classification (germline): Uncertain significance (1 of 4 stars; one submission).

Conditions:
Familial cancer of breast. Also called: Hereditary breast cancer; BREAST CANCER, FAMILIAL; hereditary breast carcinoma. Identifiers: Orphanet 227535, MedGen C0346153, MONDO:0016419, OMIM 114480. Disease mechanism: loss of function.

Submission:

Labcorp Genetics (formerly Invitae), Labcorp
Classification: Uncertain significance for Familial cancer of breast. Last evaluated: 2020-06-09. Review status: criteria provided, single submitter. Criteria: Invitae Variant Classification Sherloc (09022015). Collection method: clinical testing. Allele origin: germline.
Comment: This variant has not been reported in the literature in individuals with CHEK2-related conditions. In summary, the available evidence is currently insufficient to determine the role of this variant in disease. Therefore, it has been classified as a Variant of Uncertain Significance. Algorithms developed to predict the effect of sequence changes on RNA splicing suggest that this variant may disrupt the consensus splice site, but this prediction has not been confirmed by published transcriptional studies. This variant is not present in population databases (ExAC no frequency). This sequence change falls in intron 9 of the CHEK2 gene. It does not directly change the encoded amino acid sequence of the CHEK2 protein.

NM_007194.4(CHEK2):c.1009-13_1009-6del

Gene: CHEK2 (checkpoint kinase 2; minus strand). Cytogenetic location: 22q12.1.
Variant type: Deletion.
Coding change: c.1009-13_1009-6del on transcript NM_007194.4 (MANE Select); 13 bases into the intron before coding-DNA position 1009 through 6 bases into the intron before coding-DNA position 1009, 8 bases deleted (CCTTTCTG; older notation c.1009-13_1009-6delCCTTTCTG).
Molecular consequence: intron variant.
Genome position (GRCh38, 1-based): chr22:28,696,993-28,697,000, CAGAAAGG deleted on the plus strand (CCTTTCTG on the coding strand, the reverse complement: CHEK2 is on the minus strand); deleting any 8 consecutive bases within chr22:28,696,993-28,697,003 gives the same sequence; the c. name uses the placement nearest the transcript's 3' end. VCF-style (leftmost placement, unchanged base first): chr22-28696992-ACAGAAAGG-A. GRCh37 (hg19) VCF-style: chr22-29092980-ACAGAAAGG-A.
Other names: c.346-13_346-6del (NM_001437942.1, NM_001257387.3); c.808-13_808-6del (NM_001349956.3); c.1009-1127_1009-1120del (NM_145862.3); c.1102-1127_1102-1120del (NM_001438295.1); c.1102-13_1102-6del (NM_001438293.1); c.1138-1127_1138-1120del (NM_001438294.1); c.1138-13_1138-6del (NM_001005735.3).
Identifiers: ClinVar variation 1016940 (VCV001016940.10), dbSNP rs2052616228, ClinGen allele CA2400238888.